The following is an entry in ClinVar:

NM_001330311.2(DVL1):c.2069T>A (p.Phe690Tyr)

Gene: DVL1 (dishevelled segment polarity protein 1; minus strand). Cytogenetic location: 1p36.33.
Variant type: single nucleotide variant.
Coding change: c.2069T>A on transcript NM_001330311.2 (MANE Select); coding-DNA position 2069, T replaced by A.
Protein change: p.Phe690Tyr; replaces phenylalanine 690 with tyrosine.
Molecular consequence: missense variant.
Genome position (GRCh38, 1-based): chr1:1,336,161, A>T on the plus strand (T>A on the coding strand, the complement: DVL1 is on the minus strand). VCF-style: chr1-1336161-A-T. GRCh37 (hg19) VCF-style: chr1-1271541-A-T.
Other names: c.1994T>A, p.Phe665Tyr (NM_004421.3); short protein forms F665Y, F690Y.
Identifiers: ClinVar variation 2575783 (VCV002575783.1), dbSNP rs1214043230, ClinGen allele CA337853613.

ClinVar aggregate classification (germline): Uncertain significance (1 of 4 stars; one submission).

gnomAD v4.1: 1 of 1,576,186 alleles (0.000063%); highest among the groups gnomAD compares: Admixed American, 0.0018%; no homozygotes.

Submission:

GeneDx
Classification: Uncertain significance. Last evaluated: 2023-02-10. Review status: criteria provided, single submitter. Criteria: GeneDx Variant Classification Process June 2021. Collection method: clinical testing. Allele origin: germline. Affected: yes.
Comment: In silico analysis supports that this missense variant does not alter protein structure/function; Has not been previously published as pathogenic or benign to our knowledge